The following is an entry in ClinVar:

ClinVar aggregate classification (germline): Uncertain significance (1 of 4 stars; one submission).

Conditions:
DiGeorge syndrome. Also called: Catch22; THIRD AND FOURTH PHARYNGEAL POUCH SYNDROME. Identifiers: Orphanet 567, MedGen C0012236, MONDO:0008564, OMIM 188400.

Allele frequency attached by ClinVar (database versions not stated): gnomAD exomes below 0.00001.
gnomAD v4.1: 2 of 1,332,278 alleles (0.00015%); highest among the groups gnomAD compares: South Asian, 0.0018%; no homozygotes.

Submission:

Labcorp Genetics (formerly Invitae), Labcorp
Classification: Uncertain significance for DiGeorge syndrome. Last evaluated: 2023-12-07. Review status: criteria provided, single submitter. Criteria: Invitae Variant Classification Sherloc (09022015). Collection method: clinical testing. Allele origin: germline.
Comment: This sequence change replaces proline, which is neutral and non-polar, with alanine, which is neutral and non-polar, at codon 358 of the TBX1 protein (p.Pro358Ala). This variant is not present in population databases (gnomAD no frequency). This variant has not been reported in the literature in individuals affected with TBX1-related conditions. ClinVar contains an entry for this variant (Variation ID: 1479290). Algorithms developed to predict the effect of missense changes on protein structure and function output the following: SIFT: "Not Available"; PolyPhen-2: "Benign"; Align-GVGD: "Not Available". The alanine amino acid residue is found in multiple mammalian species, which suggests that this missense change does not adversely affect protein function. In summary, the available evidence is currently insufficient to determine the role of this variant in disease. Therefore, it has been classified as a Variant of Uncertain Significance.

NM_001379200.1(TBX1):c.1099C>G (p.Pro367Ala)

Gene: TBX1 (T-box transcription factor 1; plus strand). Cytogenetic location: 22q11.21.
Variant type: single nucleotide variant.
Coding change: c.1099C>G on transcript NM_001379200.1 (MANE Select); coding-DNA position 1099, C replaced by G.
Protein change: p.Pro367Ala; replaces proline 367 with alanine.
Molecular consequence: missense variant. On other transcripts: intron variant (2).
Genome position (GRCh38, 1-based): chr22:19,766,451, C>G. VCF-style: chr22-19766451-C-G. GRCh37 (hg19) VCF-style: chr22-19753974-C-G.
Other names: c.1072C>G, p.Pro358Ala (NM_080647.1); c.1009+449C>G (NM_005992.1, NM_080646.2); short protein forms P358A, P367A.
Identifiers: ClinVar variation 1479290 (VCV001479290.8), dbSNP rs2145838185, ClinGen allele CA410684099.